The following is an entry in ClinVar:

ClinVar aggregate classification (germline): Pathogenic (1 of 4 stars; one submission).

Submission:

Labcorp Genetics (formerly Invitae), Labcorp
Classification: Pathogenic. Last evaluated: 2024-02-16. Review status: criteria provided, single submitter. Criteria: Invitae Variant Classification Sherloc (09022015). Collection method: clinical testing. Allele origin: germline.
Comment: This sequence change creates a premature translational stop signal (p.Leu1504Cysfs*9) in the GREB1L gene. It is expected to result in an absent or disrupted protein product. Loss-of-function variants in GREB1L are known to be pathogenic (PMID: 29100090, 29100091). This variant is not present in population databases (gnomAD no frequency). This variant has not been reported in the literature in individuals affected with GREB1L-related conditions. For these reasons, this variant has been classified as Pathogenic.

Literature cited by the submitters: PubMed 29100090; PubMed 29100091.

NM_001142966.3(GREB1L):c.4509del (p.Leu1504fs)

Gene: GREB1L (GREB1 like retinoic acid receptor coactivator; plus strand). Cytogenetic location: 18q11.2.
Variant type: Deletion.
Coding change: c.4509del on transcript NM_001142966.3 (MANE Select); coding-DNA position 4509, one base deleted (G; older notation c.4509delG).
Protein change: p.Leu1504fs; shifts the reading frame from leucine 1504.
Molecular consequence: frameshift variant.
Genome position (GRCh38, 1-based): chr18:21,508,258, G deleted; the last of 2 consecutive G bases (chr18:21,508,257-21,508,258); deleting either gives the same sequence. VCF-style (leftmost placement, unchanged base first): chr18-21508256-CG-C. GRCh37 (hg19) VCF-style: chr18-19088217-CG-C.
Other names: c.4638del, p.Leu1547fs (NM_001410867.1); c.4182del, p.Leu1395fs (NM_001410868.1); short protein forms L1395fs, L1504fs, L1547fs.
Identifiers: ClinVar variation 3641419 (VCV003641419.2).